The following is an entry in ClinVar:

NM_015046.7(SETX):c.6208+2dup

Gene: SETX (senataxin; minus strand). Cytogenetic location: 9q34.13.
Variant type: Duplication.
Coding change: c.6208+2dup on transcript NM_015046.7 (MANE Select); the canonical splice donor site of the intron after coding-DNA position 6208, one base duplicated (T; older notation c.6208+2dupT).
Molecular consequence: splice donor variant.
Genome position (GRCh38, 1-based): chr9:132,288,548, A duplicated on the plus strand (T on the coding strand, the reverse complement: SETX is on the minus strand). VCF-style (leftmost placement, unchanged base first): chr9-132288547-T-TA. GRCh37 (hg19) VCF-style: chr9-135163934-T-TA.
Other names: c.6208+2dup (NM_001351528.2, NM_001351527.2).
Identifiers: ClinVar variation 2925455 (VCV002925455.3), dbSNP rs754618817, ClinGen allele CA5296808.
Genomic context (GRCh38, chr9:132,288,547, plus strand): 5'-CCAAGTCATTTTCCACCAAACAAAACAGAGAAAACACTAGTATATACCACATTCAGTACT[T>TA]ACTCATTCTGTGGTTTACTTGGCTGTCCAAACTGAACTTTAGAACCTCACTATTAATAGA-3'

ClinVar aggregate classification (germline): Likely pathogenic (1 of 4 stars; one submission).

Conditions:
Amyotrophic lateral sclerosis type 4 (ALS4). Also called: AMYOTROPHIC LATERAL SCLEROSIS 4, JUVENILE; NEURONOPATHY, DISTAL HEREDITARY MOTOR, WITH PYRAMIDAL FEATURES. Identifiers: Orphanet 357043, MedGen C1865409, MONDO:0011223, OMIM 602433.
Spinocerebellar ataxia, autosomal recessive, with axonal neuropathy 2 (SCAN2). Also called: ATAXIA-OCULOMOTOR APRAXIA 2; Ataxia with Oculomotor Apraxia Type 2; Ataxia-ocular apraxia-2; Ataxia with Oculomotor Apraxia. Identifiers: Orphanet 64753, MedGen C1853761, MONDO:0018996, OMIM 606002.

Allele frequency attached by ClinVar (database versions not stated): gnomAD exomes below 0.00001; ExAC 0.00001.

Submission:

Labcorp Genetics (formerly Invitae), Labcorp
Classification: Likely pathogenic for Amyotrophic lateral sclerosis type 4; Spinocerebellar ataxia, autosomal recessive, with axonal neuropathy 2. Last evaluated: 2024-12-30. Review status: criteria provided, single submitter. Criteria: Invitae Variant Classification Sherloc (09022015). Collection method: clinical testing. Allele origin: germline.
Comment: This sequence change falls in intron 16 of the SETX gene. It does not directly change the encoded amino acid sequence of the SETX protein. RNA analysis indicates that this variant induces altered splicing and likely results in a shortened protein product. This variant is present in population databases (rs754618817, gnomAD 0.003%). This variant has been observed in individuals with spinocerebellar ataxia (PMID: 19727998; internal data). ClinVar contains an entry for this variant (Variation ID: 2925455). Variants that disrupt the consensus splice site are a relatively common cause of aberrant splicing (PMID: 17576681, 9536098). Studies have shown that this variant results in skipping of 16, but is expected to preserve the integrity of the reading-frame (PMID: 19727998). This variant disrupts a region of the SETX protein in which other variant(s) (p.Gly2047Cys) have been observed in individuals with SETX-related conditions (PMID: 24108619). This suggests that this is a clinically significant region of the protein, and that variants that disrupt it are likely to be disease-causing. In summary, the currently available evidence indicates that the variant is pathogenic, but additional data are needed to prove that conclusively. Therefore, this variant has been classified as Likely Pathogenic.

Literature cited by the submitters: PubMed 19727998; PubMed 17576681; PubMed 9536098; PubMed 24108619.